The following is an entry in ClinVar:

NM_001378454.1(ALMS1):c.8774AAC[1] (p.Gln2926del)

Gene: ALMS1 (ALMS1 centrosome and basal body associated protein; plus strand). Cytogenetic location: 2p13.1.
Variant type: Microsatellite.
Coding change: c.8774AAC[1] on transcript NM_001378454.1 (MANE Select); one copy of the 3-base unit AAC starting at c.8774; the reference has two copies in a row; one copy, 3 bases deleted.
Protein change: p.Gln2926del; deletes glutamine 2926.
Molecular consequence: inframe deletion.
Genome position (GRCh38, 1-based): chr2:73,490,736-73,490,738, AAC deleted; deleting any 3 consecutive bases within chr2:73,490,733-73,490,738 gives the same sequence; the position shown is the placement nearest the transcript's 3' end. VCF-style (leftmost placement, unchanged base first): chr2-73490732-GAAC-G. GRCh37 (hg19) VCF-style: chr2-73717859-GAAC-G.
Other names: c.8777AAC[1], p.Gln2927del (NM_015120.4); short protein forms Q2927del, Q2926del.
Identifiers: ClinVar variation 1398733 (VCV001398733.5), dbSNP rs2103893243, ClinGen allele CA2580611328.

ClinVar aggregate classification (germline): Uncertain significance (1 of 4 stars; one submission).

Conditions:
Alstrom syndrome (ALMS). Identifiers: Orphanet 64, MedGen C0268425, MONDO:0008763, OMIM 203800.

Submission:

Labcorp Genetics (formerly Invitae), Labcorp
Classification: Uncertain significance for Alstrom syndrome. Last evaluated: 2021-09-17. Review status: criteria provided, single submitter. Criteria: Invitae Variant Classification Sherloc (09022015). Collection method: clinical testing. Allele origin: germline.
Comment: This variant, c.8780_8782del, results in the deletion of 1 amino acid(s) of the ALMS1 protein (p.Gln2927del), but otherwise preserves the integrity of the reading frame. This variant is not present in population databases (ExAC no frequency). This variant has not been reported in the literature in individuals affected with ALMS1-related conditions. Experimental studies and prediction algorithms are not available or were not evaluated, and the functional significance of this variant is currently unknown. In summary, the available evidence is currently insufficient to determine the role of this variant in disease. Therefore, it has been classified as a Variant of Uncertain Significance.